The following is an entry in ClinVar:

NM_003172.4(SURF1):c.825C>T (p.Ile275=)

Gene: SURF1 (SURF1 cytochrome c oxidase assembly factor; minus strand). Cytogenetic location: 9q34.2.
Variant type: single nucleotide variant.
Coding change: c.825C>T on transcript NM_003172.4 (MANE Select); coding-DNA position 825, C replaced by T.
Protein change: p.Ile275=; no amino-acid change (isoleucine 275 retained).
Molecular consequence: synonymous variant.
Genome position (GRCh38, 1-based): chr9:133,352,069, G>A on the plus strand (C>T on the coding strand, the complement: SURF1 is on the minus strand). VCF-style: chr9-133352069-G-A. GRCh37 (hg19) VCF-style: chr9-136218924-G-A.
Other names: c.498C>T, p.Ile166= (NM_001280787.1).
Identifiers: ClinVar variation 1136647 (VCV001136647.41), dbSNP rs372660779, ClinGen allele CA200832022.
Genomic context (GRCh38, chr9:133,352,069, plus strand): 5'-AGCAGGCTGCTAGGCTGAAGGGGAGGAAGCCAGAGGGCCGCTGGGGACTCACCAGGTCAC[G>A]ATGTACTGCAGATGCTCGTTCCTCAGAGTAACTCTGGTTTGCCCTCCAATGGGTCCTCCA-3'
Protein context (NP_003163.1, residues 265-285): VTLRNEHLQY[Ile275=]VTWYGLSAAT

ClinVar aggregate classification (germline): Likely benign. Review status: criteria provided, multiple submitters, no conflicts (2 of 4 stars). 3 submissions from 3 submitters: Likely benign (3). Last evaluated 2026-01-19.

Conditions:
Leigh syndrome (NULS). Also called: Leigh Disease; Subacute necrotizing encephalopathy; Necrotizing encephalopathy infantile subacute of Leigh; Leigh's syndrome; LEIGH SYNDROME, NUCLEAR; Leigh Syndrome (mtDNA deletion). Identifiers: Orphanet 506, MedGen C2931891, MONDO:0009723, OMIM 256000.

Allele frequency attached by ClinVar (database versions not stated): gnomAD 0.00005 and 0.00006; gnomAD exomes 0.00016.

Submissions (3):

Labcorp Genetics (formerly Invitae), Labcorp
Classification: Likely benign for Leigh syndrome. Last evaluated: 2026-01-19. Review status: criteria provided, single submitter. Criteria: Invitae Variant Classification Sherloc (09022015). Collection method: clinical testing. Allele origin: germline.

Blueprint Genetics
Classification: Likely benign. Last evaluated: 2024-09-19. Review status: criteria provided, single submitter. Criteria: ACMG Guidelines, 2015. Collection method: clinical testing. Allele origin: germline.

CeGaT Center for Human Genetics Tuebingen
Classification: Likely benign. Last evaluated: 2022-03-01. Review status: criteria provided, single submitter. Criteria: CeGaT Center For Human Genetics Tuebingen Variant Classification Criteria Version 2. Collection method: clinical testing. Allele origin: germline. Affected: yes. Observed: 2 variant alleles.
Comment: SURF1: BP4